The following is an entry in ClinVar:

NM_001367624.2(ZNF469):c.3769G>C (p.Gly1257Arg)

Gene: ZNF469 (zinc finger protein 469; plus strand). Cytogenetic location: 16q24.2.
Variant type: single nucleotide variant.
Coding change: c.3769G>C on transcript NM_001367624.2 (MANE Select); coding-DNA position 3769, G replaced by C.
Protein change: p.Gly1257Arg; replaces glycine 1257 with arginine.
Molecular consequence: missense variant.
Genome position (GRCh38, 1-based): chr16:88,431,239, G>C. VCF-style: chr16-88431239-G-C. GRCh37 (hg19) VCF-style: chr16-88497647-G-C.
Other names: NM_001127464.1:c.3685G>C; short protein forms G1257R.
Identifiers: ClinVar variation 2449491 (VCV002449491.2), dbSNP rs1376366602, ClinGen allele CA397086754.

ClinVar aggregate classification (germline): Uncertain significance (1 of 4 stars; one submission).

Conditions:
Cardiovascular phenotype. Identifiers: MedGen CN230736.

Submission:

Ambry Genetics
Classification: Uncertain significance for Cardiovascular phenotype. Last evaluated: 2023-01-22. Review status: criteria provided, single submitter. Criteria: Ambry Variant Classification Scheme 2023. Collection method: clinical testing. Allele origin: germline.
Comment: The p.G1229R variant (also known as c.3685G>C), located in coding exon 2 of the ZNF469 gene, results from a G to C substitution at nucleotide position 3685. The glycine at codon 1229 is replaced by arginine, an amino acid with dissimilar properties. This amino acid position is conserved. In addition, this alteration is predicted to be tolerated by in silico analysis. Since supporting evidence is limited at this time, the clinical significance of this alteration remains unclear.